The following is an entry in ClinVar:

ClinVar aggregate classification (germline): Uncertain significance (1 of 4 stars; one submission).

Conditions:
Autosomal recessive severe congenital neutropenia due to CSF3R deficiency. Also called: Neutropenia, severe congenital, 7, autosomal recessive. Identifiers: Orphanet 420702, MedGen C4310764, MONDO:0014865, OMIM 617014.

gnomAD v4.1: 4 of 1,592,792 alleles (0.00025%); highest among the groups gnomAD compares: African/African-American, 0.0013%; no homozygotes.

Submission:

Labcorp Genetics (formerly Invitae), Labcorp
Classification: Uncertain significance for Autosomal recessive severe congenital neutropenia due to CSF3R deficiency. Last evaluated: 2024-12-24. Review status: criteria provided, single submitter. Criteria: Invitae Variant Classification Sherloc (09022015). Collection method: clinical testing. Allele origin: germline.
Comment: This sequence change replaces alanine, which is neutral and non-polar, with valine, which is neutral and non-polar, at codon 530 of the CSF3R protein (p.Ala530Val). This variant is present in population databases (no rsID available, gnomAD 0.007%). This variant has not been reported in the literature in individuals affected with CSF3R-related conditions. Invitae Evidence Modeling of protein sequence and biophysical properties (such as structural, functional, and spatial information, amino acid conservation, physicochemical variation, residue mobility, and thermodynamic stability) indicates that this missense variant is not expected to disrupt CSF3R protein function with a negative predictive value of 80%. In summary, the available evidence is currently insufficient to determine the role of this variant in disease. Therefore, it has been classified as a Variant of Uncertain Significance.

NM_000760.4(CSF3R):c.1589C>T (p.Ala530Val)

Gene: CSF3R (colony stimulating factor 3 receptor; minus strand). Cytogenetic location: 1p34.3.
Variant type: single nucleotide variant.
Coding change: c.1589C>T on transcript NM_000760.4 (MANE Select); coding-DNA position 1589, C replaced by T.
Protein change: p.Ala530Val; replaces alanine 530 with valine.
Molecular consequence: missense variant.
Genome position (GRCh38, 1-based): chr1:36,468,209, G>A on the plus strand (C>T on the coding strand, the complement: CSF3R is on the minus strand). VCF-style: chr1-36468209-G-A. GRCh37 (hg19) VCF-style: chr1-36933810-G-A.
Other names: c.1589C>T, p.Ala530Val (NM_156039.3, NM_172313.3); short protein forms A530V.
Identifiers: ClinVar variation 3620252 (VCV003620252.2).